The following is an entry in ClinVar:

NM_177438.3(DICER1):c.5096-8C>T

Gene: DICER1 (dicer 1, ribonuclease III; minus strand). Cytogenetic location: 14q32.13.
Variant type: single nucleotide variant.
Coding change: c.5096-8C>T on transcript NM_177438.3 (MANE Select); 8 bases into the intron before coding-DNA position 5096, C replaced by T.
Molecular consequence: intron variant.
Genome position (GRCh38, 1-based): chr14:95,094,164, G>A on the plus strand (C>T on the coding strand, the complement: DICER1 is on the minus strand). VCF-style: chr14-95094164-G-A. GRCh37 (hg19) VCF-style: chr14-95560501-G-A.
Other names: c.5096-8C>T (NM_001291628.2, NM_030621.4, NM_001271282.3 and 1 more transcripts).
Identifiers: ClinVar variation 1118766 (VCV001118766.12), dbSNP rs1566750853, ClinGen allele CA2499222794.
Genomic context (GRCh38, chr14:95,094,164, plus strand): 5'-TATGAGGTAGTCCAAAATCGCATCTCCCAGGAATTCTAAGCGCTGGTAACAATCTGAGGG[G>A]ATCCGAAGTGGAACCGTAAGCTTGTGCAGAAGCATTTACACTATCCCCACATAGCAACTG-3'

ClinVar aggregate classification (germline): Likely benign. Review status: criteria provided, single submitter (1 of 4 stars). 2 submissions from 2 submitters: Likely benign (1). 1 of the submissions does not count toward it. Last evaluated 2024-05-11.

Conditions:
DICER1-related disorder. Also called: DICER1-related condition.
DICER1-related tumor predisposition. Also called: DICER1 syndrome; DICER1-related pleuropulmonary blastoma cancer predisposition syndrome. Identifiers: Orphanet 284343, MedGen C3839822, MONDO:0100216.

Allele frequency attached by ClinVar (database versions not stated): gnomAD exomes below 0.00001.

Submissions (2):

Labcorp Genetics (formerly Invitae), Labcorp
Classification: Likely benign for DICER1-related tumor predisposition. Last evaluated: 2024-05-11. Review status: criteria provided, single submitter. Criteria: Invitae Variant Classification Sherloc (09022015). Collection method: clinical testing. Allele origin: germline.

PreventionGenetics, part of Exact Sciences
Classification: Likely benign for DICER1-related condition. Last evaluated: 2021-05-11. Review status: no assertion criteria provided. Collection method: clinical testing. Allele origin: germline. Not counted in ClinVar's aggregate classification.
Comment: This variant is classified as likely benign based on ACMG/AMP sequence variant interpretation guidelines (Richards et al. 2015 PMID: 25741868, with internal and published modifications).